The following is an entry in ClinVar:

NM_002439.5(MSH3):c.400C>A (p.Leu134Met)

Gene: MSH3 (mutS homolog 3; plus strand). Cytogenetic location: 5q14.1.
Variant type: single nucleotide variant.
Coding change: c.400C>A on transcript NM_002439.5 (MANE Select); coding-DNA position 400, C replaced by A.
Protein change: p.Leu134Met; replaces leucine 134 with methionine.
Molecular consequence: missense variant.
Genome position (GRCh38, 1-based): chr5:80,665,184, C>A. VCF-style: chr5-80665184-C-A. GRCh37 (hg19) VCF-style: chr5-79961003-C-A.
Other names: short protein forms L134M.
Identifiers: ClinVar variation 5024828 (VCV005024828.1).

ClinVar aggregate classification (germline): Uncertain significance (1 of 4 stars; one submission).

Conditions:
Hereditary cancer-predisposing syndrome. Also called: Neoplastic Syndromes, Hereditary; Tumor predisposition; Hereditary neoplastic syndrome; Hereditary Cancer Syndrome. Identifiers: Orphanet 140162, MedGen C0027672, MeSH D009386, MONDO:0015356.

gnomAD v4.1: 2 of 1,614,046 alleles (0.00012%); highest among the groups gnomAD compares: Non-Finnish European, 0.00017%; no homozygotes.

Submission:

Ambry Genetics
Classification: Uncertain significance for Hereditary cancer-predisposing syndrome. Last evaluated: 2026-08-18. Review status: criteria provided, single submitter. Criteria: Ambry Variant Classification Scheme 2023. Collection method: clinical testing. Allele origin: germline.
Comment: The p.L134M variant (also known as c.400C>A), located in coding exon 3 of the MSH3 gene, results from a C to A substitution at nucleotide position 400. The leucine at codon 134 is replaced by methionine, an amino acid with highly similar properties. This amino acid position is conserved. In addition, the in silico prediction for this alteration is inconclusive. Based on the available evidence, the clinical significance of this variant remains unclear.